The following is an entry in ClinVar:

ClinVar aggregate classification (germline): Uncertain significance (1 of 4 stars; one submission).

Conditions:
Febrile seizures, familial, 2 (FEB2). Also called: Convulsions, familial febrile, 2. Identifiers: MedGen C1865342, MONDO:0011231.

Allele frequency attached by ClinVar (database versions not stated): gnomAD exomes 0.00001.
gnomAD v4.1: 3 of 1,613,006 alleles (0.00019%); highest among the groups gnomAD compares: Non-Finnish European, 0.00025%; no homozygotes.

Submission:

Laboratorio de Genetica e Diagnostico Molecular, Hospital Israelita Albert Einstein
Classification: Uncertain significance for Epilepsy, idiopathic generalized, susceptibility to, 17. Last evaluated: 2022-10-07. Review status: criteria provided, single submitter. Criteria: ACMG Guidelines, 2015. Collection method: clinical testing. Allele origin: germline. Affected: yes.
Comment: ACMG classification criteria: PM1 moderated, PM2 moderated, BP4 supporting

NM_001194.4(HCN2):c.1682A>G (p.Lys561Arg)

Gene: HCN2 (hyperpolarization activated cyclic nucleotide gated potassium and sodium channel 2; plus strand). Cytogenetic location: 19p13.3.
Variant type: single nucleotide variant.
Coding change: c.1682A>G on transcript NM_001194.4 (MANE Select); coding-DNA position 1682, A replaced by G.
Protein change: p.Lys561Arg; replaces lysine 561 with arginine.
Molecular consequence: missense variant.
Genome position (GRCh38, 1-based): chr19:613,345, A>G. VCF-style: chr19-613345-A-G. GRCh37 (hg19) VCF-style: chr19-613345-A-G.
Other names: short protein forms K561R.
Identifiers: ClinVar variation 2431846 (VCV002431846.2), dbSNP rs1207402097, ClinGen allele CA402881326.
Genomic context (GRCh38, chr19:613,345, plus strand): 5'-CCATGCCGCTGTTCGCCAACGCCGACCCCAACTTCGTCACGGCCATGCTGACCAAGCTCA[A>G]GTTCGAGGTCTTCCAGCCGGGTGACTACATCATCCGCGAAGGCACCATCGGGAAGAAGAT-3'
Protein context (NP_001185.3, residues 551-571): NFVTAMLTKL[Lys561Arg]FEVFQPGDYI